The following is an entry in ClinVar:

NM_004082.5(DCTN1):c.153G>C (p.Leu51=)

Gene: DCTN1 (dynactin subunit 1; minus strand). Cytogenetic location: 2p13.1.
Variant type: single nucleotide variant.
Coding change: c.153G>C on transcript NM_004082.5 (MANE Select); coding-DNA position 153, G replaced by C.
Protein change: p.Leu51=; no amino-acid change (leucine 51 retained).
Molecular consequence: synonymous variant. On other transcripts: non-coding transcript variant (1).
Genome position (GRCh38, 1-based): chr2:74,378,126, C>G on the plus strand (G>C on the coding strand, the complement: DCTN1 is on the minus strand). VCF-style: chr2-74378126-C-G. GRCh37 (hg19) VCF-style: chr2-74605253-C-G.
Other names: c.153G>C (NM_004082.4); c.153G>C, p.Leu51= (NM_001135040.3, NM_001190837.2); c.102G>C, p.Leu34= (NM_001190836.2, NM_001378991.1, NM_001378992.1).
Identifiers: ClinVar variation 1618139 (VCV001618139.9), dbSNP rs765144648, ClinGen allele CA426814218.

ClinVar aggregate classification (germline): Likely benign. Review status: criteria provided, single submitter (1 of 4 stars). 2 submissions from 2 submitters: Likely benign (1). 1 of the submissions does not count toward it. Last evaluated 2021-11-19.

Conditions:
DCTN1-related disorder. Also called: DCTN1-related condition.
Amyotrophic lateral sclerosis type 1 (ALS1). Also called: AMYOTROPHIC LATERAL SCLEROSIS 1, FAMILIAL. Identifiers: Orphanet 803, MedGen C1862939, MONDO:0007103, OMIM 105400.
Perry syndrome. Also called: PARKINSONISM WITH ALVEOLAR HYPOVENTILATION AND MENTAL DEPRESSION. Identifiers: Orphanet 178509, MedGen C1868594, MONDO:0008201, OMIM 168605.
Neuronopathy, distal hereditary motor, type 7B. Also called: NEURONOPATHY, DISTAL HEREDITARY MOTOR, AUTOSOMAL DOMINANT 14; NEURONOPATHY, DISTAL HEREDITARY MOTOR, HARDING TYPE VIIB; NEUROPATHY, DISTAL HEREDITARY MOTOR, HARDING TYPE VIIB; NEUROPATHY, DISTAL HEREDITARY MOTOR, WITH VOCAL CORD PARALYSIS, HARDING TYPE VIIB; HMN VIIB; LOWER MOTOR NEURON DISEASE, DYNACTIN TYPE. Identifiers: Orphanet 139589, MedGen C1843315, MONDO:0011879, OMIM 607641.

gnomAD v4.1: 1 of 1,614,284 alleles (0.000062%); highest among the groups gnomAD compares: Non-Finnish European, 0.000085%; no homozygotes.

Submissions (2):

Labcorp Genetics (formerly Invitae), Labcorp
Classification: Likely benign for Amyotrophic lateral sclerosis type 1; Neuronopathy, distal hereditary motor, type 7B; Perry syndrome. Last evaluated: 2021-11-19. Review status: criteria provided, single submitter. Criteria: Invitae Variant Classification Sherloc (09022015). Collection method: clinical testing. Allele origin: germline.

PreventionGenetics, part of Exact Sciences
Classification: Likely benign for DCTN1-related condition. Last evaluated: 2024-07-31. Review status: no assertion criteria provided. Collection method: clinical testing. Allele origin: germline. Not counted in ClinVar's aggregate classification.
Comment: This variant is classified as likely benign based on ACMG/AMP sequence variant interpretation guidelines (Richards et al. 2015 PMID: 25741868, with internal and published modifications).